The following is an entry in ClinVar:

NM_022166.4(XYLT1):c.234AGG[6] (p.Gly90dup)

Gene: XYLT1 (xylosyltransferase 1; minus strand). Cytogenetic location: 16p12.3.
Variant type: Microsatellite.
Coding change: c.234AGG[6] on transcript NM_022166.4 (MANE Select); six copies in a row of the 3-base unit AGG starting at c.234; the reference has five copies in a row; one copy, 3 bases duplicated.
Protein change: p.Gly90dup; duplicates glycine 90.
Molecular consequence: inframe insertion.
Genome position (GRCh38, 1-based): chr16:17,470,549-17,470,551, CCT duplicated on the plus strand (AGG on the coding strand, the reverse complement: XYLT1 is on the minus strand); duplicating any 3 consecutive bases within chr16:17,470,549-17,470,564 gives the same sequence; the position shown is the placement nearest the transcript's 3' end. VCF-style (leftmost placement, unchanged base first): chr16-17470548-G-GCCT. GRCh37 (hg19) VCF-style: chr16-17564405-G-GCCT.
Identifiers: ClinVar variation 798162 (VCV000798162.11), dbSNP rs559215248, ClinGen allele CA279106521.

ClinVar aggregate classification (germline): Likely benign. Review status: criteria provided, multiple submitters, no conflicts (2 of 4 stars). 2 submissions from 2 submitters: Likely benign (2). Last evaluated 2026-06-22.

Conditions:
XYLT1-related disorder. Also called: XYLT1-related condition.
Desbuquois dysplasia 1 (DBQD1). Also called: MICROMELIC DWARFISM WITH VERTEBRAL AND METAPHYSEAL ABNORMALITIES AND ADVANCED CARPOTARSAL OSSIFICATION; DESBUQUOIS DYSPLASIA 1, KIM VARIANT. Identifiers: Orphanet 1425, MedGen C4012146, MONDO:0009629, OMIM 251450.

Submissions (2):

PreventionGenetics, part of Exact Sciences
Classification: Likely benign for XYLT1-related condition. Last evaluated: 2026-06-22. Review status: criteria provided, single submitter. Criteria: ACMG Guidelines, 2015. Collection method: clinical testing. Allele origin: germline.
Comment: This variant is classified as likely benign based on ACMG/AMP sequence variant interpretation guidelines (Richards et al. 2015 PMID: 25741868, with internal and published modifications).

Labcorp Genetics (formerly Invitae), Labcorp
Classification: Likely benign for Desbuquois dysplasia 1. Last evaluated: 2025-10-09. Review status: criteria provided, single submitter. Criteria: Invitae Variant Classification Sherloc (09022015). Collection method: clinical testing. Allele origin: germline.